The following is an entry in ClinVar:

ClinVar aggregate classification (germline): Uncertain significance (1 of 4 stars; one submission).

Conditions:
Fanconi anemia complementation group J. Also called: BRIP1-Related Fanconi Anemia. Identifiers: Orphanet 84, MedGen C1836860, MONDO:0012187, OMIM 609054.
Familial cancer of breast. Also called: Hereditary breast cancer; BREAST CANCER, FAMILIAL; hereditary breast carcinoma. Identifiers: Orphanet 227535, MedGen C0346153, MONDO:0016419, OMIM 114480. Disease mechanism: loss of function.

Submission:

Labcorp Genetics (formerly Invitae), Labcorp
Classification: Uncertain significance for Familial cancer of breast; Fanconi anemia complementation group J. Last evaluated: 2021-07-22. Review status: criteria provided, single submitter. Criteria: Invitae Variant Classification Sherloc (09022015). Collection method: clinical testing. Allele origin: germline.
Comment: In summary, the available evidence is currently insufficient to determine the role of this variant in disease. Therefore, it has been classified as a Variant of Uncertain Significance. Algorithms developed to predict the effect of missense changes on protein structure and function (SIFT, PolyPhen-2, Align-GVGD) all suggest that this variant is likely to be tolerated. This variant has not been reported in the literature in individuals affected with BRIP1-related conditions. This variant is not present in population databases (ExAC no frequency). This sequence change replaces serine with arginine at codon 854 of the BRIP1 protein (p.Ser854Arg). The serine residue is weakly conserved and there is a moderate physicochemical difference between serine and arginine.

NM_032043.3(BRIP1):c.2562T>G (p.Ser854Arg)

Gene: BRIP1 (BRCA1 interacting DNA helicase 1; minus strand). Cytogenetic location: 17q23.2.
Variant type: single nucleotide variant.
Coding change: c.2562T>G on transcript NM_032043.3 (MANE Select); coding-DNA position 2562, T replaced by G.
Protein change: p.Ser854Arg; replaces serine 854 with arginine.
Molecular consequence: missense variant.
Genome position (GRCh38, 1-based): chr17:61,693,443, A>C on the plus strand (T>G on the coding strand, the complement: BRIP1 is on the minus strand). VCF-style: chr17-61693443-A-C. GRCh37 (hg19) VCF-style: chr17-59770804-A-C.
Other names: short protein forms S854R.
Identifiers: ClinVar variation 1369341 (VCV001369341.9), dbSNP rs1555574734, ClinGen allele CA400482353.